The following is an entry in ClinVar:

NM_172245.4(CSF2RA):c.766G>A (p.Asp256Asn)

Gene: CSF2RA (colony stimulating factor 2 receptor subunit alpha; plus strand). Cytogenetic location: Xp22.33.
Variant type: single nucleotide variant.
Coding change: c.766G>A on transcript NM_172245.4 (MANE Select); coding-DNA position 766, G replaced by A.
Protein change: p.Asp256Asn; replaces aspartic acid 256 with asparagine.
Molecular consequence: missense variant. On other transcripts: nonsense (1), non-coding transcript variant (1), intron variant (1).
Genome position (GRCh38, 1-based): chrX:1,294,447, G>A. VCF-style: chrX-1294447-G-A. GRCh37 (hg19) VCF-style: chrX-1413340-G-A.
Other names: c.766G>A, p.Asp256Asn (NM_001161529.2, NM_001161530.2, NM_001161531.2 and 18 more transcripts); c.367G>A, p.Asp123Asn (NM_001161532.2); c.747G>A, p.Trp249Ter (NM_001379166.1); c.646+3938G>A (NM_172249.4); short protein forms D256N, W249*, D123N.
Identifiers: ClinVar variation 1388608 (VCV001388608.8), dbSNP rs761350119, ClinGen allele CA10330969.

ClinVar aggregate classification (germline): Uncertain significance (1 of 4 stars; one submission).

Conditions:
Surfactant metabolism dysfunction, pulmonary, 4 (SMDP4). Also called: PAP DUE TO CSF2RA DEFICIENCY; PULMONARY ALVEOLAR PROTEINOSIS, CONGENITAL, 4; CSF2RA DEFICIENCY. Identifiers: Orphanet 264675, MedGen C2677877, MONDO:0010424, OMIM 300770.

Allele frequency attached by ClinVar (database versions not stated): TOPMed below 0.00001; ExAC 0.00001; gnomAD exomes 0.00001.
gnomAD v4.1: 21 of 1,610,562 alleles (0.0013%); highest among the groups gnomAD compares: South Asian, 0.022%; 1 homozygote.

Submission:

Labcorp Genetics (formerly Invitae), Labcorp
Classification: Uncertain significance for Surfactant metabolism dysfunction, pulmonary, 4. Last evaluated: 2025-07-14. Review status: criteria provided, single submitter. Criteria: Invitae Variant Classification Sherloc (09022015). Collection method: clinical testing. Allele origin: germline.
Comment: This sequence change replaces aspartic acid, which is acidic and polar, with asparagine, which is neutral and polar, at codon 256 of the CSF2RA protein (p.Asp256Asn). The frequency data for this variant in the population databases is considered unreliable, as metrics indicate poor data quality at this position in the gnomAD database. This variant has not been reported in the literature in individuals affected with CSF2RA-related conditions. ClinVar contains an entry for this variant (Variation ID: 1388608). Invitae Evidence Modeling of protein sequence and biophysical properties (such as structural, functional, and spatial information, amino acid conservation, physicochemical variation, residue mobility, and thermodynamic stability) indicates that this missense variant is not expected to disrupt CSF2RA protein function with a negative predictive value of 80%. In summary, the available evidence is currently insufficient to determine the role of this variant in disease. Therefore, it has been classified as a Variant of Uncertain Significance.